The following is an entry in ClinVar:

ClinVar aggregate classification (germline): Likely pathogenic (1 of 4 stars; one submission).

Conditions:
Duchenne muscular dystrophy (DMD). Also called: Duchenne Muscular Dystrophy (DMD); MUSCULAR DYSTROPHY, PSEUDOHYPERTROPHIC PROGRESSIVE, DUCHENNE TYPE. Identifiers: Orphanet 98896, MedGen C0013264, MONDO:0010679, OMIM 310200.

Submission:

Labcorp Genetics (formerly Invitae), Labcorp
Classification: Likely pathogenic for Duchenne muscular dystrophy. Last evaluated: 2021-05-31. Review status: criteria provided, single submitter. Criteria: Invitae Variant Classification Sherloc (09022015). Collection method: clinical testing. Allele origin: germline.
Comment: In summary, the currently available evidence indicates that the variant is pathogenic, but additional data are needed to prove that conclusively. Therefore, this variant has been classified as Likely Pathogenic. This variant has not been reported in the literature in individuals with DMD-related conditions. This variant results in a copy number gain of the genomic region encompassing exon(s) 64-70 of the DMD gene. While the exact position of this variant cannot be determined from the data, sub-genic copy number gains are generally in tandem (PMID: 25640679). This variant is predicted to be out-of-frame, and may result in an absent or disrupted protein product. Loss-of-function variants in DMD are known to be pathogenic (PMID: 16770791, 25007885).

Literature cited by the submitters: PubMed 25640679; PubMed 16770791; PubMed 25007885.

NC_000023.10:g.(?_31196766)_(31241258_?)dup

Gene: DMD (dystrophin; minus strand). Cytogenetic location: Xp21.2.
Variant type: Duplication.
Identifiers: ClinVar variation 1511551 (VCV001511551.5).